The following is an entry in ClinVar:

ClinVar aggregate classification (germline): Uncertain significance (1 of 4 stars; one submission).

gnomAD v4.1: 3 of 1,613,836 alleles (0.00019%); highest among the groups gnomAD compares: East Asian, 0.0022%; no homozygotes.

Submission:

Labcorp Genetics (formerly Invitae), Labcorp
Classification: Uncertain significance. Last evaluated: 2025-04-14. Review status: criteria provided, single submitter. Criteria: Invitae Variant Classification Sherloc (09022015). Collection method: clinical testing. Allele origin: germline.
Comment: This sequence change replaces valine, which is neutral and non-polar, with methionine, which is neutral and non-polar, at codon 693 of the CDAN1 protein (p.Val693Met). This variant is not present in population databases (gnomAD no frequency). This variant has not been reported in the literature in individuals affected with CDAN1-related conditions. An algorithm developed to predict the effect of missense changes on protein structure and function (PolyPhen-2) suggests that this variant is likely to be disruptive. In summary, the available evidence is currently insufficient to determine the role of this variant in disease. Therefore, it has been classified as a Variant of Uncertain Significance.

NM_138477.4(CDAN1):c.2077G>A (p.Val693Met)

Gene: CDAN1 (codanin 1; minus strand). Cytogenetic location: 15q15.2.
Variant type: single nucleotide variant.
Coding change: c.2077G>A on transcript NM_138477.4 (MANE Select); coding-DNA position 2077, G replaced by A.
Protein change: p.Val693Met; replaces valine 693 with methionine.
Molecular consequence: missense variant.
Genome position (GRCh38, 1-based): chr15:42,730,695, C>T on the plus strand (G>A on the coding strand, the complement: CDAN1 is on the minus strand). VCF-style: chr15-42730695-C-T. GRCh37 (hg19) VCF-style: chr15-43022893-C-T.
Other names: short protein forms V693M.
Identifiers: ClinVar variation 4717533 (VCV004717533.1).